The following is an entry in ClinVar:

ClinVar aggregate classification (germline): Likely benign. Review status: criteria provided, single submitter (1 of 4 stars). 2 submissions from 2 submitters: Likely benign (1). 1 of the submissions does not count toward it. Last evaluated 2025-09-03.

Conditions:
Primary ciliary dyskinesia 30. Also called: CILIARY DYSKINESIA, PRIMARY, 30, WITH OR WITHOUT SITUS INVERSUS. Identifiers: Orphanet 244, MedGen C4015016, MONDO:0014465, OMIM 616037.
ODAD3-related disorder. Also called: ODAD3-related condition.

Allele frequency attached by ClinVar (database versions not stated): TOPMed below 0.00001; ExAC 0.00001; gnomAD 0.00001; 1000 Genomes Project 30x 0.00031; 1000 Genomes Project 0.00020.
gnomAD v4.1: 11 of 1,613,844 alleles (0.00068%); highest among the groups gnomAD compares: Middle Eastern, 0.083%; no homozygotes.

Submissions (2):

Labcorp Genetics (formerly Invitae), Labcorp
Classification: Likely benign for Primary ciliary dyskinesia 30. Last evaluated: 2025-09-03. Review status: criteria provided, single submitter. Criteria: Invitae Variant Classification Sherloc (09022015). Collection method: clinical testing. Allele origin: germline.

PreventionGenetics, part of Exact Sciences
Classification: Likely benign for ODAD3-related condition. Last evaluated: 2019-02-28. Review status: no assertion criteria provided. Collection method: clinical testing. Allele origin: germline. Not counted in ClinVar's aggregate classification.
Comment: This variant is classified as likely benign based on ACMG/AMP sequence variant interpretation guidelines (Richards et al. 2015 PMID: 25741868, with internal and published modifications).

NM_145045.5(ODAD3):c.900C>T (p.Tyr300=)

Gene: ODAD3 (outer dynein arm docking complex subunit 3; minus strand). Cytogenetic location: 19p13.2.
Variant type: single nucleotide variant.
Coding change: c.900C>T on transcript NM_145045.5 (MANE Select); coding-DNA position 900, C replaced by T.
Protein change: p.Tyr300=; no amino-acid change (tyrosine 300 retained).
Molecular consequence: synonymous variant.
Genome position (GRCh38, 1-based): chr19:11,426,207, G>A on the plus strand (C>T on the coding strand, the complement: ODAD3 is on the minus strand). VCF-style: chr19-11426207-G-A. GRCh37 (hg19) VCF-style: chr19-11537027-G-A.
Other names: c.738C>T, p.Tyr246= (NM_001302453.1); c.720C>T, p.Tyr240= (NM_001302454.2); c.900C>T (NM_145045.4).
Identifiers: ClinVar variation 2882265 (VCV002882265.5), dbSNP rs201557459, ClinGen allele CA9212222.